The following is an entry in ClinVar:

ClinVar aggregate classification (germline): Likely pathogenic (1 of 4 stars; one submission).

Conditions:
Developmental and epileptic encephalopathy, 65. Also called: EPILEPTIC ENCEPHALOPATHY, EARLY INFANTILE, 65. Identifiers: MedGen C4693925, MONDO:0033374, OMIM 618008.

Submission:

Greenwood Genetic Center Diagnostic Laboratories, Greenwood Genetic Center
Classification: Likely pathogenic for Developmental and epileptic encephalopathy, 65. Last evaluated: 2023-07-10. Review status: criteria provided, single submitter. Criteria: ACMG Guidelines, 2015. Collection method: clinical testing. Allele origin: germline. Affected: yes.
Comment: PS2, PM2, PP2, PP3

NM_001037333.3(CYFIP2):c.887A>T (p.Asp296Val)

Gene: CYFIP2 (cytoplasmic FMR1 interacting protein 2; plus strand). Cytogenetic location: 5q33.3.
Variant type: single nucleotide variant.
Coding change: c.887A>T on transcript NM_001037333.3 (MANE Select); coding-DNA position 887, A replaced by T.
Protein change: p.Asp296Val; replaces aspartic acid 296 with valine.
Molecular consequence: missense variant.
Genome position (GRCh38, 1-based): chr5:157,307,852, A>T. VCF-style: chr5-157307852-A-T. GRCh37 (hg19) VCF-style: chr5-156734860-A-T.
Other names: c.809A>T, p.Asp270Val (NM_001291721.2); c.887A>T, p.Asp296Val (NM_001291722.2, NM_014376.4); short protein forms D270V, D296V.
Identifiers: ClinVar variation 2626976 (VCV002626976.1), dbSNP rs1156399205, ClinGen allele CA361967633.
Genomic context (GRCh38, chr5:157,307,852, plus strand): 5'-GAAATGTCAGTAACATTTACAAACTGGATGCCAAGAAGAGAATTAATCTTAGCAAAATTG[A>T]TAAATTCTTTAAGGTCAGCAACTGGGGCTGGGGCTGGGCAGAGGGCTGAGGTTACCAGCG-3'
Protein context (NP_001032410.1, residues 286-306): AKKRINLSKI[Asp296Val]KFFKQLQVVP